The following is an entry in ClinVar:

ClinVar aggregate classification (germline): Uncertain significance (1 of 4 stars; one submission).

Conditions:
Developmental and epileptic encephalopathy. Identifiers: MedGen C5779964, MONDO:0100620.

Submission:

Labcorp Genetics (formerly Invitae), Labcorp
Classification: Uncertain significance for Early-infantile DEE. Last evaluated: 2016-10-06. Review status: criteria provided, single submitter. Criteria: Invitae Variant Classification Sherloc (09022015). Collection method: clinical testing. Allele origin: germline.
Comment: This variant is a gross duplication of the genomic region encompassing exons 1-4 of the HCN1 gene. The 5' end of this event is unknown as it extends beyond the assayed region for this gene and therefore may encompass additional genes. The 3' boundary is likely confined to intron 4 of the HCN1 gene. This variant has not been reported in the literature in individuals with a HCN1-related disease. To date, only missense variants in HCN1 have been reported in individuals affected with epilepsy. In summary, this is a novel duplication with an uncertain impact on protein function. Therefore, it has been classified as a Variant of Uncertain Significance.

NM_021072.3(HCN1):c.-25_1230+?dup1255

Gene: HCN1 (hyperpolarization activated cyclic nucleotide gated potassium channel 1; minus strand). Cytogenetic location: 5p12.
Variant type: Duplication.
Coding change: c.-25_1230+?dup1255 on transcript NM_021072.3.
Identifiers: ClinVar variation 254077 (VCV000254077.2).